The following is an entry in ClinVar:

ClinVar aggregate classification (germline): Pathogenic (1 of 4 stars; one submission).

Submission:

Labcorp Genetics (formerly Invitae), Labcorp
Classification: Pathogenic. Last evaluated: 2025-08-26. Review status: criteria provided, single submitter. Criteria: Invitae Variant Classification Sherloc (09022015). Collection method: clinical testing. Allele origin: germline.
Comment: This sequence change creates a premature translational stop signal (p.Tyr424*) in the LZTR1 gene. It is expected to result in an absent or disrupted protein product. Loss-of-function variants in LZTR1 are known to be pathogenic (PMID: 24362817, 25335493, 25480913, 25795793, 29469822, 30368668, 30442762, 30442766, 30481304, 30859559). This variant is not present in population databases (gnomAD no frequency). This variant has not been reported in the literature in individuals affected with LZTR1-related conditions. ClinVar contains an entry for this variant (Variation ID: 3695412). For these reasons, this variant has been classified as Pathogenic.

Literature cited by the submitters: PubMed 24362817; PubMed 25335493; PubMed 25480913; PubMed 25795793; PubMed 29469822; PubMed 30368668; PubMed 30442762; PubMed 30442766; PubMed 30481304; PubMed 30859559.

NM_006767.4(LZTR1):c.1272C>A (p.Tyr424Ter)

Gene: LZTR1 (leucine zipper like post translational regulator 1; plus strand). Cytogenetic location: 22q11.21.
Variant type: single nucleotide variant.
Coding change: c.1272C>A on transcript NM_006767.4 (MANE Select); coding-DNA position 1272, C replaced by A.
Protein change: p.Tyr424Ter; replaces tyrosine 424 with a stop codon.
Molecular consequence: nonsense.
Genome position (GRCh38, 1-based): chr22:20,993,673, C>A. VCF-style: chr22-20993673-C-A. GRCh37 (hg19) VCF-style: chr22-21347962-C-A.
Other names: short protein forms Y424*.
Identifiers: ClinVar variation 3695412 (VCV003695412.2).